The following is an entry in ClinVar:

ClinVar aggregate classification (germline): Conflicting classifications of pathogenicity. Review status: criteria provided, conflicting classifications (1 of 4 stars). 2 submissions from 2 submitters: Uncertain significance (1); Likely benign (1). Last evaluated 2025-06-06.

Conditions:
Long QT syndrome (LQTS). Identifiers: MedGen C0023976, MeSH D008133, MONDO:0002442. Disease mechanism: loss of function. Inheritance: Various modes of inheritance.
Cardiovascular phenotype. Identifiers: MedGen CN230736.

Submissions (3):

Ambry Genetics
Classification: Likely benign for Cardiovascular phenotype. Last evaluated: 2025-06-06. Review status: criteria provided, single submitter. Criteria: Ambry Variant Classification Scheme 2023. Collection method: clinical testing. Allele origin: germline.

Labcorp Genetics (formerly Invitae), Labcorp
Classification: Uncertain significance for Long QT syndrome. Last evaluated: 2024-10-18. Review status: criteria provided, single submitter. Criteria: Invitae Variant Classification Sherloc (09022015). Collection method: clinical testing. Allele origin: germline.
Comment: This sequence change replaces arginine, which is basic and polar, with glycine, which is neutral and non-polar, at codon 36 of the KCNE1 protein (p.Arg36Gly). This variant is present in population databases (rs372398235, gnomAD 0.002%). This variant has not been reported in the literature in individuals affected with KCNE1-related conditions. ClinVar contains an entry for this variant (Variation ID: 1429999). Invitae Evidence Modeling of protein sequence and biophysical properties (such as structural, functional, and spatial information, amino acid conservation, physicochemical variation, residue mobility, and thermodynamic stability) indicates that this missense variant is not expected to disrupt KCNE1 protein function with a negative predictive value of 95%. In summary, the available evidence is currently insufficient to determine the role of this variant in disease. Therefore, it has been classified as a Variant of Uncertain Significance.

Roden Lab, Vanderbilt University Medical Center
No classification provided (evidence only). Condition: Long QT syndrome 5. Review status: no classification provided. Collection method: in vitro. Allele origin: not applicable. Functional consequence: Effect on ion channel function. Not counted in ClinVar's aggregate classification.
ClinVar note: "not provided" was previously submitted as the classification for the variant. However, the classification appeared to be based only on an observation of functional data so it was converted to no classification on 2025-07-30.

NM_000219.6(KCNE1):c.106C>G (p.Arg36Gly)

Gene: KCNE1 (potassium voltage-gated channel subfamily E regulatory subunit 1; minus strand). Cytogenetic location: 21q22.12.
Variant type: single nucleotide variant.
Coding change: c.106C>G on transcript NM_000219.6 (MANE Select); coding-DNA position 106, C replaced by G.
Protein change: p.Arg36Gly; replaces arginine 36 with glycine.
Molecular consequence: missense variant.
Genome position (GRCh38, 1-based): chr21:34,449,529, G>C on the plus strand (C>G on the coding strand, the complement: KCNE1 is on the minus strand). VCF-style: chr21-34449529-G-C. GRCh37 (hg19) VCF-style: chr21-35821827-G-C.
Other names: c.106C>G, p.Arg36Gly (NM_001127668.4, NM_001127669.4, NM_001127670.4 and 4 more transcripts); c.106C>G (NM_000219.3); short protein forms R36G.
Identifiers: ClinVar variation 1429999 (VCV001429999.7), dbSNP rs372398235, ClinGen allele CA320425480.